The following is an entry in ClinVar:

NM_004646.4(NPHS1):c.3388-2A>G

Gene: NPHS1 (NPHS1 adhesion molecule, nephrin; minus strand). Cytogenetic location: 19q13.12.
Variant type: single nucleotide variant.
Coding change: c.3388-2A>G on transcript NM_004646.4 (MANE Select); the canonical splice acceptor site of the intron before coding-DNA position 3388, A replaced by G.
Molecular consequence: splice acceptor variant.
Genome position (GRCh38, 1-based): chr19:35,831,148, T>C on the plus strand (A>G on the coding strand, the complement: NPHS1 is on the minus strand). VCF-style: chr19-35831148-T-C. GRCh37 (hg19) VCF-style: chr19-36322050-T-C.
Identifiers: ClinVar variation 56499 (VCV000056499.2), dbSNP rs386833938, ClinGen allele CA250228.

ClinVar aggregate classification (germline): Likely pathogenic (0 of 4 stars; one submission).

Conditions:
Finnish congenital nephrotic syndrome (NPHS1). Also called: NEPHROTIC SYNDROME, TYPE 1. Identifiers: Orphanet 839, MedGen C0403399, MONDO:0009732, OMIM 256300.

Submission:

Juha Muilu Group; Institute for Molecular Medicine Finland (FIMM)
Classification: Likely pathogenic for Finnish congenital nephrotic syndrome. Review status: no assertion criteria provided. Collection method: not provided. Allele origin: unknown.
Comment: FinDis database variant: This variant was not found or characterized by our laboratory, data were collected from public sources: see reference
ClinVar note: Converted during submission from probable-pathogenic to Likely pathogenic.